The following is an entry in ClinVar:

NM_000051.4(ATM):c.6666del (p.Ile2223fs)

Genes: ATM (ATM serine/threonine kinase; plus strand), C11orf65 (chromosome 11 open reading frame 65; minus strand). Cytogenetic location: 11q22.3.
Variant type: Deletion.
Coding change: c.6666del on transcript NM_000051.4 (MANE Select); coding-DNA position 6666, one base deleted (T; older notation c.6666delT).
Protein change: p.Ile2223fs; shifts the reading frame from isoleucine 2223.
Molecular consequence: frameshift variant. On other transcripts: intron variant (2).
Genome position (GRCh38, 1-based): chr11:108,325,403, T deleted. VCF-style (leftmost placement, unchanged base first): chr11-108325402-CT-C. GRCh37 (hg19) VCF-style: chr11-108196129-CT-C.
Other names: c.*38+9817del (NM_001351110.2); c.6666del, p.Ile2223fs (NM_001351834.2); c.641-16332del (NM_001330368.2); short protein forms I2223fs.
Identifiers: ClinVar variation 3904292 (VCV003904292.1), dbSNP rs2136311638.

ClinVar aggregate classification (germline): Pathogenic (1 of 4 stars; one submission).

Conditions:
Familial cancer of breast. Also called: Hereditary breast cancer; BREAST CANCER, FAMILIAL; hereditary breast carcinoma. Identifiers: Orphanet 227535, MedGen C0346153, MONDO:0016419, OMIM 114480. Disease mechanism: loss of function.

Submission:

Myriad Genetics, Inc.
Classification: Pathogenic for Familial cancer of breast. Last evaluated: 2025-03-11. Review status: criteria provided, single submitter. Criteria: Myriad Autosomal Dominant, Autosomal Recessive and X-Linked Classification Criteria (2023). Collection method: clinical testing. Allele origin: unknown.
Comment: This variant is considered pathogenic. This variant creates a frameshift predicted to result in premature protein truncation.